The following is an entry in ClinVar:

NM_001128840.3(CACNA1D):c.3393C>G (p.Phe1131Leu)

Genes: CACNA1D (calcium voltage-gated channel subunit alpha1 D; plus strand), LOC129936904 (ATAC-STARR-seq lymphoblastoid active region 19969; plus strand). Cytogenetic location: 3p21.1.
Variant type: single nucleotide variant.
Coding change: c.3393C>G on transcript NM_001128840.3 (MANE Select); coding-DNA position 3393, C replaced by G.
Protein change: p.Phe1131Leu; replaces phenylalanine 1131 with leucine.
Molecular consequence: missense variant.
Genome position (GRCh38, 1-based): chr3:53,749,346, C>G. VCF-style: chr3-53749346-C-G. GRCh37 (hg19) VCF-style: chr3-53783373-C-G.
Other names: c.3453C>G, p.Phe1151Leu (NM_000720.4); c.3393C>G, p.Phe1131Leu (NM_001128839.3); short protein forms F1131L, F1151L.
Identifiers: ClinVar variation 3709133 (VCV003709133.2).

ClinVar aggregate classification (germline): Uncertain significance (1 of 4 stars; one submission).

gnomAD v4.1: 1 of 1,613,240 alleles (0.000062%); highest among the groups gnomAD compares: Non-Finnish European, 0.000085%; no homozygotes.

Submission:

Labcorp Genetics (formerly Invitae), Labcorp
Classification: Uncertain significance. Last evaluated: 2025-01-31. Review status: criteria provided, single submitter. Criteria: Invitae Variant Classification Sherloc (09022015). Collection method: clinical testing. Allele origin: germline.
Comment: This sequence change replaces phenylalanine, which is neutral and non-polar, with leucine, which is neutral and non-polar, at codon 1151 of the CACNA1D protein (p.Phe1151Leu). This variant is not present in population databases (gnomAD no frequency). This variant has not been reported in the literature in individuals affected with CACNA1D-related conditions. Invitae Evidence Modeling of protein sequence and biophysical properties (such as structural, functional, and spatial information, amino acid conservation, physicochemical variation, residue mobility, and thermodynamic stability) indicates that this missense variant is expected to disrupt CACNA1D protein function with a positive predictive value of 80%. In summary, the available evidence is currently insufficient to determine the role of this variant in disease. Therefore, it has been classified as a Variant of Uncertain Significance.